The following is an entry in ClinVar:

ClinVar aggregate classification (germline): Uncertain significance. Review status: criteria provided, multiple submitters, no conflicts (2 of 4 stars). 3 submissions from 3 submitters: Uncertain significance (3). Last evaluated 2025-03-24.

Conditions:
Hereditary nonpolyposis colorectal neoplasms. Identifiers: MedGen C0009405, MeSH D003123.
Hereditary cancer-predisposing syndrome. Also called: Tumor predisposition; Neoplastic Syndromes, Hereditary; Hereditary neoplastic syndrome; Hereditary Cancer Syndrome. Identifiers: Orphanet 140162, MedGen C0027672, MeSH D009386, MONDO:0015356.

Submissions (3):

Ambry Genetics
Classification: Uncertain significance for Hereditary cancer-predisposing syndrome. Last evaluated: 2025-03-24. Review status: criteria provided, single submitter. Criteria: Ambry Variant Classification Scheme 2023. Collection method: clinical testing. Allele origin: germline.
Comment: The p.S623N variant (also known as c.1868G>A), located in coding exon 11 of the PMS2 gene, results from a G to A substitution at nucleotide position 1868. The serine at codon 623 is replaced by asparagine, an amino acid with highly similar properties. This amino acid position is conserved. In addition, this alteration is predicted to be tolerated by in silico analysis. Based on the available evidence, the clinical significance of this variant remains unclear.

Color Diagnostics, LLC DBA Color Health
Classification: Uncertain significance for Hereditary cancer-predisposing syndrome. Last evaluated: 2023-12-05. Review status: criteria provided, single submitter. Criteria: ACMG Guidelines, 2015. Collection method: clinical testing. Allele origin: germline.
Comment: This missense variant replaces serine with asparagine at codon 623 of the PMS2 protein. Computational prediction suggests that this variant may not impact protein structure and function (internally defined REVEL score threshold <= 0.5, PMID: 27666373). To our knowledge, functional studies have not been reported for this variant. This variant has not been reported in individuals affected with PMS2-related disorders in the literature. This variant has not been identified in the general population by the Genome Aggregation Database (gnomAD). The available evidence is insufficient to determine the role of this variant in disease conclusively. Therefore, this variant is classified as a Variant of Uncertain Significance.

Labcorp Genetics (formerly Invitae), Labcorp
Classification: Uncertain significance for Hereditary nonpolyposis colorectal neoplasms. Last evaluated: 2021-07-28. Review status: criteria provided, single submitter. Criteria: Invitae Variant Classification Sherloc (09022015). Collection method: clinical testing. Allele origin: germline.
Comment: This sequence change replaces serine with asparagine at codon 623 of the PMS2 protein (p.Ser623Asn). The serine residue is weakly conserved and there is a small physicochemical difference between serine and asparagine. This variant is not present in population databases (ExAC no frequency). In summary, the available evidence is currently insufficient to determine the role of this variant in disease. Therefore, it has been classified as a Variant of Uncertain Significance. Algorithms developed to predict the effect of missense changes on protein structure and function (SIFT, PolyPhen-2, Align-GVGD) all suggest that this variant is likely to be tolerated, but these predictions have not been confirmed by published functional studies and their clinical significance is uncertain. This variant has not been reported in the literature in individuals with PMS2-related conditions.

NM_000535.7(PMS2):c.1868G>A (p.Ser623Asn)

Gene: PMS2 (PMS1 homolog 2, mismatch repair system component; minus strand). Cytogenetic location: 7p22.1.
Variant type: single nucleotide variant.
Coding change: c.1868G>A on transcript NM_000535.7 (MANE Select); coding-DNA position 1868, G replaced by A.
Protein change: p.Ser623Asn; replaces serine 623 with asparagine.
Molecular consequence: missense variant. On other transcripts: non-coding transcript variant (1).
Genome position (GRCh38, 1-based): chr7:5,986,897, C>T on the plus strand (G>A on the coding strand, the complement: PMS2 is on the minus strand). VCF-style: chr7-5986897-C-T. GRCh37 (hg19) VCF-style: chr7-6026528-C-T.
Other names: c.1463G>A, p.Ser488Asn (NM_001322003.2, NM_001322004.2, NM_001322005.2 and 1 more transcripts); c.1712G>A, p.Ser571Asn (NM_001322006.2); c.1550G>A, p.Ser517Asn (NM_001322007.2, NM_001322008.2); c.1307G>A, p.Ser436Asn (NM_001322010.2); c.935G>A, p.Ser312Asn (NM_001322011.2, NM_001322012.2); c.1295G>A, p.Ser432Asn (NM_001322013.2); c.1868G>A, p.Ser623Asn (NM_001322014.2); c.1559G>A, p.Ser520Asn (NM_001322015.2); short protein forms S623N, S432N, S436N, S488N, S312N, S517N, S520N, S571N.
Identifiers: ClinVar variation 630905 (VCV000630905.15), dbSNP rs1562626526, ClinGen allele CA366739507.
Genomic context (GRCh38, chr7:5,986,897, plus strand): 5'-TGTTCCCCTTCACTTTGCTGTGCTTCATGATGTAACTGCTTTATTCGTTTAGCTAAAGAA[C>T]TCATAGAAAAGTCCAGGGGCACAACTTTCTTATTAATTTTCACAGCTACATCAACCTGAG-3'
Protein context (NP_000526.2, residues 613-633): KKVVPLDFSM[Ser623Asn]SLAKRIKQLH